The following is an entry in ClinVar:

ClinVar aggregate classification (germline): Conflicting classifications of pathogenicity. Review status: criteria provided, conflicting classifications (1 of 4 stars). 18 submissions from 18 submitters: Uncertain significance (8); Likely benign (7). 3 of the submissions do not count toward it. Last evaluated 2026-08-01.

Conditions:
NTHL1-deficiency tumor predisposition syndrome. Identifiers: MedGen CN315924, MONDO:0100502.
Inherited polyposis and early onset colorectal cancer - germline testing.
NTHL1-related disorder. Also called: NTHL1-related conditions; NTHL1-related condition.
Familial adenomatous polyposis 3. Also called: NTHL1 Tumor Syndrome; NTHL1-associated polyposis; NTHL1-Related Adenomatous Polyposis and Colorectal Cancer; NTHL1-related attenuated familial adenomatous polyposis. Identifiers: Orphanet 220460, Orphanet 454840, MedGen C4225157, MONDO:0014630, OMIM 616415.
Hereditary cancer-predisposing syndrome. Also called: Neoplastic Syndromes, Hereditary; Hereditary Cancer Syndrome; Tumor predisposition; Hereditary neoplastic syndrome. Identifiers: Orphanet 140162, MedGen C0027672, MeSH D009386, MONDO:0015356.

Allele frequency attached by ClinVar (database versions not stated): 1000 Genomes Project 0.00100; 1000 Genomes Project 30x 0.00125; ESP Exome Variant Server 0.00139; gnomAD 0.00151 and 0.00155; gnomAD exomes 0.00183 and 0.00193; TOPMed 0.00190; ExAC 0.00195.
gnomAD v4.1: 2,909 of 1,607,812 alleles (0.18%); highest among the groups gnomAD compares: Middle Eastern, 0.86%; 9 homozygotes.

Submissions 1 to 13 of 18:

CeGaT Center for Human Genetics Tuebingen
Classification: Likely benign. Last evaluated: 2026-08-01. Review status: criteria provided, single submitter. Criteria: CeGaT Center For Human Genetics Tuebingen Variant Classification Criteria Version 2. Collection method: clinical testing. Allele origin: germline. Affected: yes. Observed: 19 variant alleles.
Comment: NTHL1: BS1

Hema, HEMA – Genetic and Molecular Diagnostic Laboratory
Classification: Uncertain significance for NTHL1-deficiency tumor predisposition syndrome. Last evaluated: 2026-07-17. Review status: criteria provided, single submitter. Criteria: HEMA Variant Classification Assertion Criteria. Collection method: clinical testing. Allele origin: germline.
Comment: The variant c.503T>C (p.Ile168Thr), also known as c.527T>C (p.Ile176Thr), is a transition from adenine to guanine, resulting in the substitution of isoleucine 168 with threonine. BS1_Supporting: The variant is more frequent than expected for a pathogenic variant in NTHL1. The Grpmax Filtering AF in gnomAD v4.1.1 for the variant is 0.006731 (Middle Eastern population), which is at least three times higher than the Grpmax Filtering AF of the most common pathogenic variant in NTHL1 (c.244C>T (p.Gln82Ter)). PP3_Moderate: The computational metapredictor REVEL score = 0.8759 ≥ 0.773, indicating that the variant would affect the function of the NTHL1 protein. The gnomAD database includes 9 homozygotes for this variant. Additionally, it has been reported in homozygosity in two unrelated individuals (PMID: 33454955).

Labcorp Genetics (formerly Invitae), Labcorp
Classification: Likely benign. Last evaluated: 2026-02-04. Review status: criteria provided, single submitter. Criteria: Invitae Variant Classification Sherloc (09022015). Collection method: clinical testing. Allele origin: germline.

Center for Genomic Medicine, Rigshospitalet, Copenhagen University Hospital
Classification: Uncertain significance. Last evaluated: 2025-12-29. Review status: criteria provided, single submitter. Criteria: ACMG Guidelines, 2015. Collection method: clinical testing. Allele origin: germline.

Quest Diagnostics Nichols Institute San Juan Capistrano
Classification: Likely benign. Last evaluated: 2025-09-27. Review status: criteria provided, single submitter. Criteria: Quest Diagnostics criteria. Collection method: clinical testing. Allele origin: unknown.

Mayo Clinic Laboratories, Mayo Clinic
Classification: Uncertain significance. Last evaluated: 2024-12-22. Review status: criteria provided, single submitter. Criteria: ACMG Guidelines, 2015. Collection method: clinical testing. Allele origin: germline. Observed: 2 variant alleles.
Comment: BS1, PP3

Blueprint Genetics
Classification: Likely benign. Last evaluated: 2024-11-25. Review status: criteria provided, single submitter. Criteria: ACMG Guidelines, 2015. Collection method: clinical testing. Allele origin: germline.

Genomics and Molecular Medicine Service, East Genomic Laboratory Hub, NHS Genomic Medicine Service
Classification: Uncertain significance for Inherited polyposis and early onset colorectal cancer - germline testing. Last evaluated: 2024-10-15. Review status: criteria provided, single submitter. Criteria: ACGS Best Practice Guidelines for Variant Classification in Rare Disease 2020. Collection method: clinical testing. Allele origin: germline. Affected: yes.
Comment: PP4,BS1_Strong

GeneDx
Classification: Uncertain significance. Last evaluated: 2022-04-04. Review status: criteria provided, single submitter. Criteria: GeneDx Variant Classification Process June 2021. Collection method: clinical testing. Allele origin: germline. Affected: yes.
Comment: In silico analysis supports that this missense variant has a deleterious effect on protein structure/function; This variant is associated with the following publications: (PMID: 21167187, 15159313, 33454955, 17029639, 23852950, 16741161, 29641532, 31227763, 31243857, 31285513, 32295625, 33980861)

Sema4
Classification: Uncertain significance for Hereditary cancer-predisposing syndrome. Last evaluated: 2022-01-22. Review status: criteria provided, single submitter. Criteria: Sema4 Curation Guidelines. Collection method: curation. Allele origin: germline.
Comment: The NTHL1 c.527T>C (p.I176T) variant has been reported as heterozygous in at least 6 individuals with attenuated adenomatous polyposis, colorectal cancer and ovarian cancer (PMID: 31285513, 31227763, 32581083). It has also been reported as homozygous in at least 2 individuals with breast, prostate and endometrial cancer (PMID: 33454955). A colorectal and breast cancer study found no significant differences in variant frequency between cases and controls (PMID: 23852950, 33980861). This variant was observed in 56/10282 chromosomes in the Ashkenazi Jewish population, with 1 homozygote, according to the Genome Aggregation Database (PMID: 27535533). In silico tools suggest the impact of the variant on protein function is deleterious, though these predictions have not been confirmed by functional studies. The variant has been reported in ClinVar (Variation ID 587357). The evidence is insufficient to meet ACMG/AMP criteria for classifying the variant as benign or pathogenic. Thus, the clinical significance of this variant is currently uncertain.

Institute for Clinical Genetics, University Hospital TU Dresden, University Hospital TU Dresden
Classification: Uncertain significance. Last evaluated: 2021-11-03. Review status: criteria provided, single submitter. Criteria: ACMG Guidelines, 2015. Collection method: clinical testing. Allele origin: germline.

St. Jude Molecular Pathology, St. Jude Children's Research Hospital
Classification: Likely benign for Familial adenomatous polyposis 3. Last evaluated: 2021-10-28. Review status: criteria provided, single submitter. Criteria: St. Jude Assertion Criteria 2020. Collection method: clinical testing. Allele origin: germline.
Comment: The NTHL1 c.527T>C (p.Ile176Thr) missense change has a maximum non-founder subpopulation frequency of 0.3% and a maximum founder subpopulation frequency of 0.54% in gnomAD v2.1.1. This is higher than expected for a pathogenic variant in NTHL1 (BS1; PMID: 33454955). Seven of seven in silico tools predict a deleterious effect of this variant on protein function (PP3), but to our knowledge these predictions have not been confirmed by functional assays. This variant has been reported as heterozygous in individuals with colorectal cancer and adenomatous polyposis (PMID: 31227763, 31285513). It has also been reported as homozygous or compound heterozygous in three individuals with cancer, one of whom has a history of >50 adenomas (PMID: 33454955). This variant has also been reported as homozygous 1x in the gnomAD v2.1.1 database. In summary, this variant meets criteria to be classified as likely benign based on the ACMG/AMP criteria: BS1, PP3.

Genetic Services Laboratory, University of Chicago
Classification: Likely benign. Last evaluated: 2021-07-28. Review status: criteria provided, single submitter. Criteria: ACMG Guidelines, 2015. Collection method: clinical testing. Allele origin: germline. Affected: no.

NM_002528.7(NTHL1):c.503T>C (p.Ile168Thr)

Gene: NTHL1 (nth like DNA glycosylase 1; minus strand). Cytogenetic location: 16p13.3.
Variant type: single nucleotide variant.
Coding change: c.503T>C on transcript NM_002528.7 (MANE Select); coding-DNA position 503, T replaced by C.
Protein change: p.Ile168Thr; replaces isoleucine 168 with threonine.
Molecular consequence: missense variant. On other transcripts: intron variant (1).
Genome position (GRCh38, 1-based): chr16:2,044,652, A>G on the plus strand (T>C on the coding strand, the complement: NTHL1 is on the minus strand). VCF-style: chr16-2044652-A-G. GRCh37 (hg19) VCF-style: chr16-2094653-A-G.
Other names: p.Ile168Thr; c.173T>C, p.Ile58Thr (NM_001318194.2); c.355-926T>C (NM_001318193.2); c.503T>C, p.Ile168Thr (LRG_1366t1); short protein forms I168T, I58T.
Identifiers: ClinVar variation 587357 (VCV000587357.86), dbSNP rs1805378, ClinGen allele CA7828239.
Genomic context (GRCh38, chr16:2,044,652, plus strand): 5'-ACTGCCACCCGGCCCCCGTTGCCACAGGCAGGGCTCACCCTCCAGAAACCGACGGGGTAG[A>G]TGAGCTTGCCCAGCGTGGCATCATCTGTCTGCAGGATGCTGTCCACCGTCAGGCCCCGCG-3'
Protein context (NP_002519.2, residues 158-178): QTDDATLGKL[Ile168Thr]YPVGFWRSKV